The following is an entry in ClinVar:

ClinVar aggregate classification (germline): Uncertain significance (1 of 4 stars; one submission).

Submission:

Labcorp Genetics (formerly Invitae), Labcorp
Classification: Uncertain significance. Last evaluated: 2025-07-20. Review status: criteria provided, single submitter. Criteria: Invitae Variant Classification Sherloc (09022015). Collection method: clinical testing. Allele origin: germline.
Comment: This sequence change replaces proline, which is neutral and non-polar, with alanine, which is neutral and non-polar, at codon 493 of the MYLK3 protein (p.Pro493Ala). This variant is not present in population databases (gnomAD no frequency). This variant has not been reported in the literature in individuals affected with MYLK3-related conditions. An algorithm developed to predict the effect of missense changes on protein structure and function (PolyPhen-2) suggests that this variant is likely to be disruptive. In summary, the available evidence is currently insufficient to determine the role of this variant in disease. Therefore, it has been classified as a Variant of Uncertain Significance.

NM_182493.3(MYLK3):c.1477C>G (p.Pro493Ala)

Gene: MYLK3 (myosin light chain kinase 3; minus strand). Cytogenetic location: 16q11.2.
Variant type: single nucleotide variant.
Coding change: c.1477C>G on transcript NM_182493.3 (MANE Select); coding-DNA position 1477, C replaced by G.
Protein change: p.Pro493Ala; replaces proline 493 with alanine.
Molecular consequence: missense variant.
Genome position (GRCh38, 1-based): chr16:46,730,684, G>C on the plus strand (C>G on the coding strand, the complement: MYLK3 is on the minus strand). VCF-style: chr16-46730684-G-C. GRCh37 (hg19) VCF-style: chr16-46764596-G-C.
Other names: c.454C>G, p.Pro152Ala (NM_001308301.1); short protein forms P493A, P152A.
Identifiers: ClinVar variation 4702941 (VCV004702941.1).